The following is an entry in ClinVar:

NM_001035.3(RYR2):c.3885C>T (p.Ser1295=)

Genes: RYR2 (ryanodine receptor 2; plus strand), LOC126806067 (BRD4-independent group 4 enhancer GRCh37_chr1:237753258-237754457; plus strand). Cytogenetic location: 1q43.
Variant type: single nucleotide variant.
Coding change: c.3885C>T on transcript NM_001035.3 (MANE Select); coding-DNA position 3885, C replaced by T.
Protein change: p.Ser1295=; no amino-acid change (serine 1295 retained).
Molecular consequence: synonymous variant.
Genome position (GRCh38, 1-based): chr1:237,590,717, C>T. VCF-style: chr1-237590717-C-T. GRCh37 (hg19) VCF-style: chr1-237754017-C-T.
Identifiers: ClinVar variation 4757194 (VCV004757194.1).
Genomic context (GRCh38, chr1:237,590,717, plus strand): 5'-CACCATAGACAGTTCCCCATGTTTAAAGGTCACTCAGAAGTCTTTTGGTTCTCAGAACAG[C>T]AACACTGATATCATGTTTTATCGCCTGAGCATGCCGATCGAGTGCGCGGAGGTCTTCTCC-3'
Protein context (NP_001026.2, residues 1285-1305): VTQKSFGSQN[Ser1295=]NTDIMFYRLS

ClinVar aggregate classification (germline): Uncertain significance (1 of 4 stars; one submission).

Conditions:
Cardiomyopathy (CMYO). Also called: Cardiomyopathies. Identifiers: Orphanet 167848, MedGen C0878544, MONDO:0004994, HP:0001638. Inheritance: Various modes of inheritance.

Submission:

Color Diagnostics, LLC DBA Color Health
Classification: Uncertain significance for Cardiomyopathy. Last evaluated: 2025-06-29. Review status: criteria provided, single submitter. Criteria: ACMG Guidelines, 2015. Collection method: clinical testing. Allele origin: germline.
Comment: This variant is located in the RYR2 protein. To our knowledge, functional studies have not been reported for this variant. This variant has not been reported in individuals affected with RYR2-related disorders in the literature. This variant has not been identified in the general population by the Genome Aggregation Database (gnomAD). The available evidence is insufficient to determine the role of this variant in disease conclusively. Therefore, this variant is classified as a Variant of Uncertain Significance.